The following is an entry in ClinVar:

NM_000400.4(ERCC2):c.1036G>A (p.Val346Met)

Gene: ERCC2 (ERCC excision repair 2, TFIIH core complex helicase subunit; minus strand). Cytogenetic location: 19q13.32.
Variant type: single nucleotide variant.
Coding change: c.1036G>A on transcript NM_000400.4 (MANE Select); coding-DNA position 1036, G replaced by A.
Protein change: p.Val346Met; replaces valine 346 with methionine.
Molecular consequence: missense variant.
Genome position (GRCh38, 1-based): chr19:45,363,825, C>T on the plus strand (G>A on the coding strand, the complement: ERCC2 is on the minus strand). VCF-style: chr19-45363825-C-T. GRCh37 (hg19) VCF-style: chr19-45867083-C-T.
Other names: c.964G>A, p.Val322Met (NM_001130867.2); short protein forms V322M, V346M.
Identifiers: ClinVar variation 3231613 (VCV003231613.1), dbSNP rs1203996233, ClinGen allele CA406372620.

ClinVar aggregate classification (germline): Uncertain significance (1 of 4 stars; one submission).

Conditions:
Inborn genetic diseases. Identifiers: MedGen C0950123, MeSH D030342.

Allele frequency attached by ClinVar (database versions not stated): TOPMed below 0.00001.

Submission:

Ambry Genetics
Classification: Uncertain significance for Inborn genetic diseases. Last evaluated: 2023-02-12. Review status: criteria provided, single submitter. Criteria: Ambry Variant Classification Scheme 2023. Collection method: clinical testing. Allele origin: germline.
Comment: The p.V346M variant (also known as c.1036G>A), located in coding exon 11 of the ERCC2 gene, results from a G to A substitution at nucleotide position 1036. The valine at codon 346 is replaced by methionine, an amino acid with highly similar properties. This amino acid position is conserved. In addition, this alteration is predicted to be tolerated by in silico analysis. Since supporting evidence is limited at this time, the clinical significance of this alteration remains unclear.